The following is an entry in ClinVar:

NM_001372.4(DNAH9):c.8435G>T (p.Arg2812Leu)

Gene: DNAH9 (dynein axonemal heavy chain 9; plus strand). Cytogenetic location: 17p12.
Variant type: single nucleotide variant.
Coding change: c.8435G>T on transcript NM_001372.4 (MANE Select); coding-DNA position 8435, G replaced by T.
Protein change: p.Arg2812Leu; replaces arginine 2812 with leucine.
Molecular consequence: missense variant.
Genome position (GRCh38, 1-based): chr17:11,807,746, G>T. VCF-style: chr17-11807746-G-T. GRCh37 (hg19) VCF-style: chr17-11711063-G-T.
Other names: short protein forms R2812L.
Identifiers: ClinVar variation 2629990 (VCV002629990.1), dbSNP rs371741808, ClinGen allele CA398197229.
Genomic context (GRCh38, chr17:11,807,746, plus strand): 5'-CAGAAAGTCTGATCAAAGCAACATGTGCCTGCTTCCTTCTCTTTAGCTGCCATATCAATC[G>T]CATCTTGGAGTCCCCGCGGGGAAATGCTCTGCTGGTTGGTGTAGGTGGGAGCGGCAAGCA-3'
Protein context (NP_001363.2, residues 2802-2822): DAMRHVCHIN[Arg2812Leu]ILESPRGNAL

ClinVar aggregate classification (germline): Uncertain significance (1 of 4 stars; one submission).

Conditions:
DNAH9-related disorder. Also called: DNAH9-related condition.

gnomAD v4.1: 4 of 1,607,162 alleles (0.00025%); highest among the groups gnomAD compares: Admixed American, 0.0017%; no homozygotes.

Submission:

PreventionGenetics, part of Exact Sciences
Classification: Uncertain significance for DNAH9-related condition. Last evaluated: 2023-01-04. Review status: criteria provided, single submitter. Criteria: ACMG Guidelines, 2015. Collection method: clinical testing. Allele origin: germline.
Comment: The DNAH9 c.8435G>T variant is predicted to result in the amino acid substitution p.Arg2812Leu. To our knowledge, this variant has not been reported in the literature or in a large population database, indicating this variant is rare. At this time, the clinical significance of this variant is uncertain due to the absence of conclusive functional and genetic evidence.